The following is an entry in ClinVar:

ClinVar aggregate classification (germline): Uncertain significance (1 of 4 stars; one submission).

Conditions:
Spermatogenic failure 18. Identifiers: MedGen C4539783, MONDO:0054615, OMIM 617576.
Ciliary dyskinesia, primary, 37 (CILD37). Also called: CILIARY DYSKINESIA, PRIMARY, 37, WITH OR WITHOUT SITUS INVERSUS. Identifiers: MedGen C4539798, MONDO:0033204, OMIM 617577.

Allele frequency attached by ClinVar (database versions not stated): gnomAD exomes below 0.00001.
gnomAD v4.1: 1 of 1,614,036 alleles (0.000062%); highest among the groups gnomAD compares: Admixed American, 0.0017%; no homozygotes.

Submission:

Labcorp Genetics (formerly Invitae), Labcorp
Classification: Uncertain significance for Ciliary dyskinesia, primary, 37; Spermatogenic failure 18. Last evaluated: 2020-07-23. Review status: criteria provided, single submitter. Criteria: Invitae Variant Classification Sherloc (09022015). Collection method: clinical testing. Allele origin: germline.
Comment: This sequence change replaces valine with methionine at codon 4241 of the DNAH1 protein (p.Val4241Met). The valine residue is highly conserved and there is a small physicochemical difference between valine and methionine. This variant is not present in population databases (ExAC no frequency). This variant has not been reported in the literature in individuals with DNAH1-related conditions. Algorithms developed to predict the effect of missense changes on protein structure and function are either unavailable or do not agree on the potential impact of this missense change (SIFT: "Deleterious"; PolyPhen-2: "Benign"; Align-GVGD: "Class C0"). In summary, the available evidence is currently insufficient to determine the role of this variant in disease. Therefore, it has been classified as a Variant of Uncertain Significance.

NM_015512.5(DNAH1):c.12721G>A (p.Val4241Met)

Gene: DNAH1 (dynein axonemal heavy chain 1; plus strand). Cytogenetic location: 3p21.1.
Variant type: single nucleotide variant.
Coding change: c.12721G>A on transcript NM_015512.5 (MANE Select); coding-DNA position 12721, G replaced by A.
Protein change: p.Val4241Met; replaces valine 4241 with methionine.
Molecular consequence: missense variant.
Genome position (GRCh38, 1-based): chr3:52,400,369, G>A. VCF-style: chr3-52400369-G-A. GRCh37 (hg19) VCF-style: chr3-52434385-G-A.
Other names: short protein forms V4241M.
Identifiers: ClinVar variation 1046504 (VCV001046504.5), dbSNP rs1455402786, ClinGen allele CA353088729.